The following is an entry in ClinVar:

NM_024101.7(MLPH):c.1021-1G>A

Gene: MLPH (melanophilin; plus strand). Cytogenetic location: 2q37.3.
Variant type: single nucleotide variant.
Coding change: c.1021-1G>A on transcript NM_024101.7 (MANE Select); the canonical splice acceptor site of the intron before coding-DNA position 1021, G replaced by A.
Molecular consequence: splice acceptor variant. On other transcripts: intron variant (3).
Genome position (GRCh38, 1-based): chr2:237,534,563, G>A. VCF-style: chr2-237534563-G-A. GRCh37 (hg19) VCF-style: chr2-238443206-G-A.
Other names: c.676-5785G>A (NM_001281474.2); c.1021-5785G>A (NM_001042467.3); c.901-5785G>A (NM_001281473.2).
Identifiers: ClinVar variation 4739770 (VCV004739770.1).

ClinVar aggregate classification (germline): Likely pathogenic (1 of 4 stars; one submission).

gnomAD v4.1: 18 of 1,613,092 alleles (0.0011%); highest among the groups gnomAD compares: Non-Finnish European, 0.0015%; 1 homozygote.

Submission:

Labcorp Genetics (formerly Invitae), Labcorp
Classification: Likely pathogenic. Last evaluated: 2025-08-03. Review status: criteria provided, single submitter. Criteria: Invitae Variant Classification Sherloc (09022015). Collection method: clinical testing. Allele origin: germline.
Comment: This sequence change affects an acceptor splice site in intron 8 of the MLPH gene. It is expected to disrupt RNA splicing. Variants that disrupt the donor or acceptor splice site typically lead to a loss of protein function (PMID: 16199547), and loss-of-function variants in MLPH are known to be pathogenic (PMID: 22711375, 32864751). This variant is present in population databases (rs756359480, gnomAD 0.003%). This variant has not been reported in the literature in individuals affected with MLPH-related conditions. Algorithms developed to predict the effect of sequence changes on RNA splicing suggest that this variant may disrupt the consensus splice site. In summary, the currently available evidence indicates that the variant is pathogenic, but additional data are needed to prove that conclusively. Therefore, this variant has been classified as Likely Pathogenic.

Literature cited by the submitters: PubMed 16199547; PubMed 22711375; PubMed 32864751.